The following is an entry in ClinVar:

NM_000393.5(COL5A2):c.153G>A (p.Arg51=)

Gene: COL5A2 (collagen type V alpha 2 chain; minus strand). Cytogenetic location: 2q32.2.
Variant type: single nucleotide variant.
Coding change: c.153G>A on transcript NM_000393.5 (MANE Select); coding-DNA position 153, G replaced by A.
Protein change: p.Arg51=; no amino-acid change (arginine 51 retained).
Molecular consequence: synonymous variant.
Genome position (GRCh38, 1-based): chr2:189,110,394, C>T on the plus strand (G>A on the coding strand, the complement: COL5A2 is on the minus strand). VCF-style: chr2-189110394-C-T. GRCh37 (hg19) VCF-style: chr2-189975120-C-T.
Identifiers: ClinVar variation 391149 (VCV000391149.1), dbSNP rs1057523986, ClinGen allele CA16603997.
Genomic context (GRCh38, chr2:189,110,394, plus strand): 5'-ACAGAGAATGGCTCCATTGTCACAGACACAGATCTGACAAGGGGCAGGTTTCCAAATGTC[C>T]CTGTTTAAGTACATCTGGCCATTCTGAGTGCAGGCTATTTCTTCACCATATCCTTCTAAA-3'
Protein context (NP_000384.2, residues 41-61): CTQNGQMYLN[Arg51=]DIWKPAPCQI

ClinVar aggregate classification (germline): Likely benign (1 of 4 stars; one submission).

Submission:

GeneDx
Classification: Likely benign. Last evaluated: 2016-11-22. Review status: criteria provided, single submitter. Criteria: GeneDx Variant Classification (06012015). Collection method: clinical testing. Allele origin: germline. Affected: yes.
Comment: This variant is considered likely benign or benign based on one or more of the following criteria: it is a conservative change, it occurs at a poorly conserved position in the protein, it is predicted to be benign by multiple in silico algorithms, and/or has population frequency not consistent with disease.